The following is an entry in ClinVar:

NM_004415.4(DSP):c.1465G>A (p.Glu489Lys)

Gene: DSP (desmoplakin; plus strand). Cytogenetic location: 6p24.3.
Variant type: single nucleotide variant.
Coding change: c.1465G>A on transcript NM_004415.4 (MANE Select); coding-DNA position 1465, G replaced by A.
Protein change: p.Glu489Lys; replaces glutamic acid 489 with lysine.
Molecular consequence: missense variant.
Genome position (GRCh38, 1-based): chr6:7,569,231, G>A. VCF-style: chr6-7569231-G-A. GRCh37 (hg19) VCF-style: chr6-7569464-G-A.
Other names: c.1465G>A, p.Glu489Lys (NM_001008844.3, NM_001319034.2); c.1465G>A (NM_004415.3); short protein forms E489K.
Identifiers: ClinVar variation 921009 (VCV000921009.7), dbSNP rs904467199, ClinGen allele CA133956352.
Genomic context (GRCh38, chr6:7,569,231, plus strand): 5'-TTGCTTGCCTTACAGAAAATCGTGCATAAGGGGGATGAGTGTATCCTGAAGGACAACAAC[G>A]AGCGCAGCAAGTGGTACGTGACGGGCCCGGGAGGCGTTGACATGCTTGTTCCCTCTGTGG-3'
Protein context (NP_004406.2, residues 479-499): GDECILKDNN[Glu489Lys]RSKWYVTGPG

ClinVar aggregate classification (germline): Uncertain significance. Review status: criteria provided, multiple submitters, no conflicts (2 of 4 stars). 3 submissions from 3 submitters: Uncertain significance (3). Last evaluated 2026-05-28.

Conditions:
DSP-related disorder. Also called: DSP-related condition; DSP-related disorders.
Cardiomyopathy (CMYO). Also called: Cardiomyopathies. Identifiers: Orphanet 167848, MedGen C0878544, MONDO:0004994, HP:0001638. Inheritance: Various modes of inheritance.
Arrhythmogenic cardiomyopathy with wooly hair and keratoderma. Also called: PALMOPLANTAR KERATODERMA WITH LEFT VENTRICULAR CARDIOMYOPATHY AND WOOLLY HAIR; Carvajal syndrome; Dilated cardiomyopathy with woolly hair and keratoderma; Arrhythmogenic cardiomyopathy with woolly hair and keratoderma. Identifiers: Orphanet 65282, MedGen C1854063, MONDO:0011581, OMIM 605676.

Allele frequency attached by ClinVar (database versions not stated): gnomAD exomes below 0.00001; gnomAD 0.00001; TOPMed 0.00002.
gnomAD v4.1: 6 of 1,614,032 alleles (0.00037%); highest among the groups gnomAD compares: Admixed American, 0.0017%; no homozygotes.

Submissions (3):

PreventionGenetics, part of Exact Sciences
Classification: Uncertain significance for DSP-related condition. Last evaluated: 2026-05-28. Review status: criteria provided, single submitter. Criteria: ACMG Guidelines, 2015. Collection method: clinical testing. Allele origin: germline.
Comment: The DSP c.1465G>A variant is predicted to result in the amino acid substitution p.Glu489Lys. To our knowledge, this variant has not been reported in the literature or in a large population database (gnomAD), indicating this variant is rare. At this time, the clinical significance of this variant is uncertain due to the absence of conclusive functional and genetic evidence.

Color Diagnostics, LLC DBA Color Health
Classification: Uncertain significance for Cardiomyopathy. Last evaluated: 2023-12-04. Review status: criteria provided, single submitter. Criteria: ACMG Guidelines, 2015. Collection method: clinical testing. Allele origin: germline.
Comment: Variant of Uncertain Significance due to insufficient evidence: This missense variant is located in the spectrin repeat 5 of the plakin domain of the DSP protein. Computational prediction tools and conservation analyses are inconclusive regarding the impact of this variant on the protein function. Computational splicing tools suggest that this variant may not impact RNA splicing. To our knowledge, functional assays have not been performed for this variant nor has this variant been reported in individuals affected with cardiovascular disorders in the literature. This variant is rare in the general population and has been identified in 0/277264 chromosomes by the Genome Aggregation Database (gnomAD). Available evidence is insufficient to determine the pathogenicity of this variant conclusively.

All of Us Research Program, National Institutes of Health
Classification: Uncertain significance for Arrhythmogenic cardiomyopathy with wooly hair and keratoderma. Last evaluated: 2023-06-28. Review status: criteria provided, single submitter. Criteria: ACMG Guidelines, 2015. Collection method: clinical testing. Allele origin: germline. Inheritance: Autosomal dominant inheritance. Observed: 1 variant allele, 1 heterozygote.
Comment: This study involves interpretation of variants in research participants for the purpose of population health screening. Participant phenotype was not available at the time of variant classification. Additional details can be found in publication PMID: 35346344, PMCID: PMC8962531